The following is an entry in ClinVar:

NM_000342.4(SLC4A1):c.1552C>T (p.Arg518Cys)

Gene: SLC4A1 (solute carrier family 4 member 1 (Diego blood group); minus strand). Cytogenetic location: 17q21.31.
Variant type: single nucleotide variant.
Coding change: c.1552C>T on transcript NM_000342.4 (MANE Select); coding-DNA position 1552, C replaced by T.
Protein change: p.Arg518Cys; replaces arginine 518 with cysteine.
Molecular consequence: missense variant.
Genome position (GRCh38, 1-based): chr17:44,257,424, G>A on the plus strand (C>T on the coding strand, the complement: SLC4A1 is on the minus strand). VCF-style: chr17-44257424-G-A. GRCh37 (hg19) VCF-style: chr17-42334792-G-A.
Other names: short protein forms R518C.
Identifiers: ClinVar variation 830029 (VCV000830029.5), dbSNP rs868742796, ClinGen allele CA290930673.
Genomic context (GRCh38, chr17:44,257,424, plus strand): 5'-AGAAAGTCTCATAGATGAAGATGAGGGAAATGAGGAAGGAGAAGATCTCCTGGGTATAGC[G>A]GGAGATGAAGCGGACCAGGAAGCTACCCTCGAAGGCCACCACCAACACCACCAGCAGGAT-3'
Protein context (NP_000333.1, residues 508-528): EGSFLVRFIS[Arg518Cys]YTQEIFSFLI

ClinVar aggregate classification (germline): Uncertain significance. Review status: criteria provided, multiple submitters, no conflicts (2 of 4 stars). 4 submissions from 4 submitters: Uncertain significance (3). 1 of the submissions does not count toward it. Last evaluated 2025-07-30.

Conditions:
Renal tubulopathies.
SLC4A1-related disorder. Also called: SLC4A1-related disorders; SLC4A1-related condition.
Autosomal dominant distal renal tubular acidosis (DRTA1). Also called: Renal Tubular Acidosis, Type I; RTA, CLASSIC TYPE; RTA, DISTAL TYPE, AUTOSOMAL DOMINANT; RTA, GRADIENT TYPE; RENAL TUBULAR ACIDOSIS, DISTAL, 1. Identifiers: Orphanet 93608, MedGen CN280572, MONDO:0008368, OMIM 179800.

Allele frequency attached by ClinVar (database versions not stated): gnomAD exomes below 0.00001; TOPMed 0.00001.

Submissions (4):

PreventionGenetics, part of Exact Sciences
Classification: Uncertain significance for SLC4A1-related condition. Last evaluated: 2025-07-30. Review status: criteria provided, single submitter. Criteria: ACMG Guidelines, 2015. Collection method: clinical testing. Allele origin: germline.
Comment: The SLC4A1 c.1552C>T variant is predicted to result in the amino acid substitution p.Arg518Cys. This variant was reported in an individual with spherocytosis (Band 3 Dresden, Eber et al. 1996. PubMed ID: 8640229). This variant has not been reported in a large population database (gnomAD), indicating this variant is rare. At this time, the clinical significance of this variant is uncertain due to the absence of conclusive functional and genetic evidence.

Genetics Laboratory, Great Ormond Street Hospital NHS Foundation Trust, North Thames Genomic Laboratory Hub
Classification: Uncertain significance for Renal tubulopathies. Last evaluated: 2025-07-25. Review status: criteria provided, single submitter. Criteria: ACGS Best Practice Guidelines for Variant Classification in Rare Disease 2024 v1.2. Collection method: clinical testing. Allele origin: germline. Affected: yes.
Comment: PS4_supporting, PM2_moderate, PP3_supporting

Baylor Genetics
Classification: Uncertain significance for Autosomal dominant distal renal tubular acidosis. Last evaluated: 2019-07-23. Review status: criteria provided, single submitter. Criteria: ACMG Guidelines, 2015. Collection method: clinical testing. Allele origin: unknown. Affected: yes.
Comment: This variant was determined to be of uncertain significance according to ACMG Guidelines, 2015 [PMID:25741868].

Bioscientia Institut fuer Medizinische Diagnostik GmbH, Sonic Healthcare
Classification: Uncertain significance for Autosomal dominant distal renal tubular acidosis. Last evaluated: 2019-11-04. Review status: no assertion criteria provided. Collection method: clinical testing. Allele origin: germline. Affected: yes. Not counted in ClinVar's aggregate classification.